The following is an entry in ClinVar:

NC_000016.9:g.(?_78143655)_(78466669_?)dup

Gene: WWOX (WW domain containing oxidoreductase; plus strand). Cytogenetic location: 16q23.1.
Variant type: Duplication.
Identifiers: ClinVar variation 3243520 (VCV003243520.1).

ClinVar aggregate classification (germline): Likely pathogenic (1 of 4 stars; one submission).

Conditions:
Autosomal recessive spinocerebellar ataxia 12. Also called: SPINOCEREBELLAR ATAXIA WITH MENTAL RETARDATION AND EPILEPSY. Identifiers: Orphanet 284282, MedGen C3280452, MONDO:0013687, OMIM 614322.
Developmental and epileptic encephalopathy, 1 (DEE1). Also called: INFANTILE SPASM SYNDROME, X-LINKED 1; X-linked infantile spasms; West's syndrome; Tonic spasms with clustering, arrest of psychomotor development and hypsarrhythmia on EEG; X-Linked Infantile Spasm Syndrome; OHTAHARA SYNDROME, X-LINKED. Identifiers: MedGen C3463992, MONDO:0010632, OMIM 308350. Disease mechanism: loss of function.

Submission:

Labcorp Genetics (formerly Invitae), Labcorp
Classification: Likely pathogenic for Developmental and epileptic encephalopathy, 1; Autosomal recessive spinocerebellar ataxia 12. Last evaluated: 2023-05-11. Review status: criteria provided, single submitter. Criteria: Invitae Variant Classification Sherloc (09022015). Collection method: clinical testing. Allele origin: unknown.
Comment: In summary, the currently available evidence indicates that the variant is pathogenic, but additional data are needed to prove that conclusively. Therefore, this variant has been classified as Likely Pathogenic. This variant has not been reported in the literature in individuals affected with WWOX-related conditions. This variant results in a copy number gain of the genomic region encompassing exon(s) 3-8 of the WWOX gene. While the exact position of this variant cannot be determined from the data, sub-genic copy number gains are generally in tandem (PMID: 25640679). This variant is predicted to be out-of-frame, and may result in an absent or disrupted protein product. Loss-of-function variants in WWOX are known to be pathogenic (PMID: 24456803, 25411445).

Literature cited by the submitters: PubMed 25640679; PubMed 24456803; PubMed 25411445.